The following is an entry in ClinVar:

NM_024514.5(CYP2R1):c.950A>G (p.Asn317Ser)

Genes: CYP2R1 (cytochrome P450 family 2 subfamily R member 1; minus strand), PDE3B (phosphodiesterase 3B; plus strand). Cytogenetic location: 11p15.2.
Variant type: single nucleotide variant.
Coding change: c.950A>G on transcript NM_024514.5 (MANE Select); coding-DNA position 950, A replaced by G.
Protein change: p.Asn317Ser; replaces asparagine 317 with serine.
Molecular consequence: missense variant.
Genome position (GRCh38, 1-based): chr11:14,880,186, T>C on the plus strand (A>G on the coding strand, the complement: CYP2R1 is on the minus strand). VCF-style: chr11-14880186-T-C. GRCh37 (hg19) VCF-style: chr11-14901732-T-C.
Other names: c.605A>G, p.Asn202Ser (NM_001377214.1, NM_001377215.1, NM_001377216.1 and 1 more transcripts); c.788A>G, p.Asn263Ser (NM_001377217.1); short protein forms N263S, N202S, N317S.
Identifiers: ClinVar variation 936742 (VCV000936742.9), dbSNP rs147626987, ClinGen allele CA5896614.

ClinVar aggregate classification (germline): Uncertain significance. Review status: criteria provided, multiple submitters, no conflicts (2 of 4 stars). 2 submissions from 2 submitters: Uncertain significance (2). Last evaluated 2024-04-25.

Conditions:
Vitamin D hydroxylation-deficient rickets, type 1B. Also called: Rickets due to Defect in Vitamin D 25-hydroxylation; PSEUDOVITAMIN D3 DEFICIENCY RICKETS DUE TO 25-HYDROXYLASE DEFICIENCY; VITAMIN D-DEPENDENT RICKETS, TYPE 1B. Identifiers: Orphanet 289157, MedGen C1838657, MONDO:0010810, OMIM 600081.

Allele frequency attached by ClinVar (database versions not stated): ExAC 0.00002; gnomAD exomes 0.00004 and 0.00003; gnomAD 0.00001; TOPMed 0.00002; ESP Exome Variant Server 0.00008.
gnomAD v4.1: 59 of 1,612,888 alleles (0.0037%); highest among the groups gnomAD compares: East Asian, 0.0067%; no homozygotes.

Submissions (2):

Fulgent Genetics
Classification: Uncertain significance for Vitamin D hydroxylation-deficient rickets, type 1B. Last evaluated: 2024-04-25. Review status: criteria provided, single submitter. Criteria: ACMG Guidelines, 2015. Collection method: clinical testing. Allele origin: germline.

Labcorp Genetics (formerly Invitae), Labcorp
Classification: Uncertain significance. Last evaluated: 2021-08-26. Review status: criteria provided, single submitter. Criteria: Invitae Variant Classification Sherloc (09022015). Collection method: clinical testing. Allele origin: germline.
Comment: This sequence change replaces asparagine with serine at codon 317 of the CYP2R1 protein (p.Asn317Ser). The asparagine residue is highly conserved and there is a small physicochemical difference between asparagine and serine. This variant is present in population databases (rs147626987, ExAC 0.01%). This variant has not been reported in the literature in individuals affected with CYP2R1-related conditions. Algorithms developed to predict the effect of missense changes on protein structure and function output the following: SIFT: "Deleterious"; PolyPhen-2: "Benign"; Align-GVGD: "Class C45". The serine amino acid residue is found in multiple mammalian species, which suggests that this missense change does not adversely affect protein function. In summary, the available evidence is currently insufficient to determine the role of this variant in disease. Therefore, it has been classified as a Variant of Uncertain Significance.